The following is an entry in ClinVar:

NM_000142.5(FGFR3):c.592G>A (p.Glu198Lys)

Gene: FGFR3 (fibroblast growth factor receptor 3; plus strand). Cytogenetic location: 4p16.3.
Variant type: single nucleotide variant.
Coding change: c.592G>A on transcript NM_000142.5 (MANE Select); coding-DNA position 592, G replaced by A.
Protein change: p.Glu198Lys; replaces glutamic acid 198 with lysine.
Molecular consequence: missense variant. On other transcripts: non-coding transcript variant (1).
Genome position (GRCh38, 1-based): chr4:1,801,513, G>A. VCF-style: chr4-1801513-G-A. GRCh37 (hg19) VCF-style: chr4-1803240-G-A.
Other names: c.592G>A, p.Glu198Lys (NM_001163213.2, NM_001354809.2, NM_001354810.2 and 1 more transcripts); short protein forms E198K.
Identifiers: ClinVar variation 4737794 (VCV004737794.1).

ClinVar aggregate classification (germline): Uncertain significance (1 of 4 stars; one submission).

gnomAD v4.1: 7 of 1,566,068 alleles (0.00045%); highest among the groups gnomAD compares: Non-Finnish European, 0.00061%; no homozygotes.

Submission:

Labcorp Genetics (formerly Invitae), Labcorp
Classification: Uncertain significance. Last evaluated: 2025-12-25. Review status: criteria provided, single submitter. Criteria: Invitae Variant Classification Sherloc (09022015). Collection method: clinical testing. Allele origin: germline.
Comment: This sequence change replaces glutamic acid, which is acidic and polar, with lysine, which is basic and polar, at codon 198 of the FGFR3 protein (p.Glu198Lys). This variant is not present in population databases (gnomAD no frequency). This variant has not been reported in the literature in individuals affected with FGFR3-related conditions. Invitae Evidence Modeling of protein sequence and biophysical properties (such as structural, functional, and spatial information, amino acid conservation, physicochemical variation, residue mobility, and thermodynamic stability) indicates that this missense variant is not expected to disrupt FGFR3 protein function with a negative predictive value of 80%. In summary, the available evidence is currently insufficient to determine the role of this variant in disease. Therefore, it has been classified as a Variant of Uncertain Significance.